The following is an entry in ClinVar:

ClinVar aggregate classification (germline): Conflicting classifications of pathogenicity. Review status: criteria provided, conflicting classifications (1 of 4 stars). 5 submissions from 5 submitters: Likely pathogenic (2); Uncertain significance (3). Last evaluated 2025-02-25.

Conditions:
Arterial calcification, generalized, of infancy, 2. Identifiers: Orphanet 51608, MedGen C3276161, MONDO:0013768, OMIM 614473.
Autosomal recessive inherited pseudoxanthoma elasticum (PXE). Identifiers: Orphanet 758, MedGen CN032334, MONDO:0009925, OMIM 264800.

Allele frequency attached by ClinVar (database versions not stated): gnomAD exomes 0.00002; TOPMed 0.00005; gnomAD 0.00007.
gnomAD v4.1: 42 of 1,612,992 alleles (0.0026%); highest among the groups gnomAD compares: Non-Finnish European, 0.0035%; no homozygotes.

Submissions (5):

GeneDx
Classification: Uncertain significance. Last evaluated: 2025-02-25. Review status: criteria provided, single submitter. Criteria: GeneDx Variant Classification Process June 2021. Collection method: clinical testing. Allele origin: germline. Affected: yes.
Comment: In silico analysis indicates that this missense variant does not alter protein structure/function; This variant is associated with the following publications: (PMID: 17617515, 23485117, 30154241, 31589614, 32873932, 34906475, 32818659)

Blueprint Genetics
Classification: Uncertain significance. Last evaluated: 2024-08-20. Review status: criteria provided, single submitter. Criteria: ACMG Guidelines, 2015. Collection method: clinical testing. Allele origin: germline.

Labcorp Genetics (formerly Invitae), Labcorp
Classification: Uncertain significance. Last evaluated: 2023-05-10. Review status: criteria provided, single submitter. Criteria: Invitae Variant Classification Sherloc (09022015). Collection method: clinical testing. Allele origin: germline.
Comment: In summary, the available evidence is currently insufficient to determine the role of this variant in disease. Therefore, it has been classified as a Variant of Uncertain Significance. Experimental studies have shown that this missense change does not substantially affect ABCC6 function (PMID: 32873932). Advanced modeling of protein sequence and biophysical properties (such as structural, functional, and spatial information, amino acid conservation, physicochemical variation, residue mobility, and thermodynamic stability) performed at Invitae indicates that this missense variant is not expected to disrupt ABCC6 protein function. ClinVar contains an entry for this variant (Variation ID: 433259). This missense change has been observed in individual(s) with pseudoxanthoma elasticum (PMID: 17617515). This variant is present in population databases (rs72653784, gnomAD 0.005%). This sequence change replaces glutamic acid, which is acidic and polar, with aspartic acid, which is acidic and polar, at codon 699 of the ABCC6 protein (p.Glu699Asp).

PXE International
Classification: Likely pathogenic for Autosomal recessive inherited pseudoxanthoma elasticum. Last evaluated: 2021-03-01. Review status: criteria provided, single submitter. Criteria: Submitter's publication. Collection method: research. Allele origin: germline. Inheritance: Autosomal recessive inheritance. Affected: yes. Observed: 1 variant allele.

Centre for Mendelian Genomics, University Medical Centre Ljubljana
Classification: Likely pathogenic for Arterial calcification, generalized, of infancy, 2. Last evaluated: 2016-01-01. Review status: criteria provided, single submitter. Criteria: ACMG Guidelines, 2015. Collection method: clinical testing. Allele origin: unknown. Affected: yes.
Comment: This variant was classified as: Likely pathogenic. The following ACMG criteria were applied in classifying this variant: PM2,PP5,PP3,PM1,PP2. This variant was detected in homozygous state.

Literature cited by the submitters: PubMed 32873932 (cited by Labcorp Genetics (formerly Invitae), Labcorp and PXE International); PubMed 17617515 (cited by Labcorp Genetics (formerly Invitae), Labcorp).

NM_001171.6(ABCC6):c.2097G>T (p.Glu699Asp)

Gene: ABCC6 (ATP binding cassette subfamily C member 6; minus strand). Cytogenetic location: 16p13.11.
Variant type: single nucleotide variant.
Coding change: c.2097G>T on transcript NM_001171.6 (MANE Select); coding-DNA position 2097, G replaced by T.
Protein change: p.Glu699Asp; replaces glutamic acid 699 with aspartic acid.
Molecular consequence: missense variant. On other transcripts: non-coding transcript variant (1).
Genome position (GRCh38, 1-based): chr16:16,182,562, C>A on the plus strand (G>T on the coding strand, the complement: ABCC6 is on the minus strand). VCF-style: chr16-16182562-C-A. GRCh37 (hg19) VCF-style: chr16-16276419-C-A.
Other names: c.1755G>T, p.Glu585Asp (NM_001351800.1); short protein forms E699D, E585D.
Identifiers: ClinVar variation 433259 (VCV000433259.13), dbSNP rs72653784, ClinGen allele CA278647972.
Genomic context (GRCh38, chr16:16,182,562, plus strand): 5'-TGGGTCCAGCTCCTGCCCGAAGCACACATTCTCTACCACAGAGGTGTTCTGCACCCAGGC[C>A]TCCTGGGGCACGTAGGCCACAGCACCCTAAAACACAACTTACTTTGGTCACAGGAGGATG-3'
Protein context (NP_001162.5, residues 689-709): IEGAVAYVPQ[Glu699Asp]AWVQNTSVVE